The following is an entry in ClinVar:

NM_001365276.2(TNXB):c.10258A>G (p.Arg3420Gly)

Gene: TNXB (tenascin XB; minus strand). Cytogenetic location: 6p21.33.
Variant type: single nucleotide variant.
Coding change: c.10258A>G on transcript NM_001365276.2 (MANE Select); coding-DNA position 10258, A replaced by G.
Protein change: p.Arg3420Gly; replaces arginine 3420 with glycine.
Molecular consequence: missense variant.
Genome position (GRCh38, 1-based): chr6:32,047,800, T>C on the plus strand (A>G on the coding strand, the complement: TNXB is on the minus strand). VCF-style: chr6-32047800-T-C. GRCh37 (hg19) VCF-style: chr6-32015577-T-C.
Other names: c.10252A>G, p.Arg3418Gly (NM_019105.8); short protein forms R3418G, R3420G.
Identifiers: ClinVar variation 1219799 (VCV001219799.8), dbSNP rs199563047, ClinGen allele CA3733271.

ClinVar aggregate classification (germline): Uncertain significance. Review status: criteria provided, multiple submitters, no conflicts (2 of 4 stars). 2 submissions from 2 submitters: Uncertain significance (2). Last evaluated 2025-04-08.

Conditions:
Cardiovascular phenotype. Identifiers: MedGen CN230736.

Allele frequency attached by ClinVar (database versions not stated): ExAC 0.00004; gnomAD exomes 0.00004.
gnomAD v4.1: 62 of 1,610,338 alleles (0.0039%); highest among the groups gnomAD compares: African/African-American, 0.071%; no homozygotes.

Submissions (2):

GeneDx
Classification: Uncertain significance. Last evaluated: 2025-04-08. Review status: criteria provided, single submitter. Criteria: GeneDx Variant Classification Process June 2021. Collection method: clinical testing. Allele origin: germline. Affected: yes.
Comment: Has not been previously published as pathogenic or benign to our knowledge; In silico analysis supports that this missense variant has a deleterious effect on protein structure/function

Ambry Genetics
Classification: Uncertain significance for Cardiovascular phenotype. Last evaluated: 2024-06-07. Review status: criteria provided, single submitter. Criteria: Ambry Variant Classification Scheme 2023. Collection method: clinical testing. Allele origin: germline.